The following is an entry in ClinVar:

NM_015375.3(DSTYK):c.1904G>A (p.Arg635His)

Gene: DSTYK (dual serine/threonine and tyrosine protein kinase; minus strand). Cytogenetic location: 1q32.1.
Variant type: single nucleotide variant.
Coding change: c.1904G>A on transcript NM_015375.3 (MANE Select); coding-DNA position 1904, G replaced by A.
Protein change: p.Arg635His; replaces arginine 635 with histidine.
Molecular consequence: missense variant.
Genome position (GRCh38, 1-based): chr1:205,161,302, C>T on the plus strand (G>A on the coding strand, the complement: DSTYK is on the minus strand). VCF-style: chr1-205161302-C-T. GRCh37 (hg19) VCF-style: chr1-205130430-C-T.
Other names: c.1904G>A, p.Arg635His (NM_199462.3); c.1904G>A (NM_015375.2); short protein forms R635H.
Identifiers: ClinVar variation 2959889 (VCV002959889.8), dbSNP rs774289190, ClinGen allele CA1352718.

ClinVar aggregate classification (germline): Uncertain significance. Review status: criteria provided, multiple submitters, no conflicts (2 of 4 stars). 3 submissions from 3 submitters: Uncertain significance (3). Last evaluated 2026-01-01.

Allele frequency attached by ClinVar (database versions not stated): TOPMed below 0.00001; gnomAD 0.00001; ExAC 0.00002.
gnomAD v4.1: 10 of 1,613,932 alleles (0.00062%); highest among the groups gnomAD compares: Admixed American, 0.0017%; no homozygotes.

Submissions (3):

CeGaT Center for Human Genetics Tuebingen
Classification: Uncertain significance. Last evaluated: 2026-01-01. Review status: criteria provided, single submitter. Criteria: CeGaT Center For Human Genetics Tuebingen Variant Classification Criteria Version 2. Collection method: clinical testing. Allele origin: germline. Affected: yes. Observed: 1 variant allele.
Comment: DSTYK: PM2, PP3

Ambry Genetics
Classification: Uncertain significance. Last evaluated: 2024-09-02. Review status: criteria provided, single submitter. Criteria: Ambry Variant Classification Scheme 2023. Collection method: clinical testing. Allele origin: germline.

Labcorp Genetics (formerly Invitae), Labcorp
Classification: Uncertain significance. Last evaluated: 2023-02-22. Review status: criteria provided, single submitter. Criteria: Invitae Variant Classification Sherloc (09022015). Collection method: clinical testing. Allele origin: germline.
Comment: This variant is present in population databases (rs774289190, gnomAD 0.01%). This sequence change replaces arginine, which is basic and polar, with histidine, which is basic and polar, at codon 635 of the DSTYK protein (p.Arg635His). In summary, the available evidence is currently insufficient to determine the role of this variant in disease. Therefore, it has been classified as a Variant of Uncertain Significance. An algorithm developed to predict the effect of missense changes on protein structure and function (PolyPhen-2) suggests that this variant is likely to be disruptive. This variant has not been reported in the literature in individuals affected with DSTYK-related conditions.